The following is an entry in ClinVar:

ClinVar aggregate classification (germline): Conflicting classifications of pathogenicity. Review status: criteria provided, conflicting classifications (1 of 4 stars). 3 submissions from 2 submitters: Uncertain significance (1); Likely benign (2). Last evaluated 2021-05-22.

Conditions:
Microphthalmia, isolated, with coloboma 3 (MCOPCB3). Also called: MICROPHTHALMIA/COLOBOMA 3; MICROPHTHALMIA, COLOBOMATOUS, 3. Identifiers: Orphanet 98938, MedGen C1864721, MONDO:0012408, OMIM 610092.
Isolated microphthalmia 2. Identifiers: Orphanet 2542, MedGen C1864720, MONDO:0012409, OMIM 610093.

Allele frequency attached by ClinVar (database versions not stated): gnomAD 0.00586 and 0.00629; TOPMed 0.00655; 1000 Genomes Project 0.00779; 1000 Genomes Project 30x 0.00812.

Submissions (3):

GeneDx
Classification: Likely benign. Last evaluated: 2021-05-22. Review status: criteria provided, single submitter. Criteria: GeneDx Variant Classification Process June 2021. Collection method: clinical testing. Allele origin: germline. Affected: yes.
Comment: See Variant Classification Assertion Criteria.

Illumina Laboratory Services, Illumina
Classification: Likely benign for Isolated microphthalmia 2. Last evaluated: 2018-01-12. Review status: criteria provided, single submitter. Criteria: ICSL Variant Classification Criteria 13 December 2019. Collection method: clinical testing. Allele origin: germline.
Comment: This variant was observed in the ICSL laboratory as part of a predisposition screen in an ostensibly healthy population. It had not been previously curated by ICSL or reported in the Human Gene Mutation Database (HGMD: prior to June 1st, 2018), and was therefore a candidate for classification through an automated scoring system. Utilizing variant allele frequency, disease prevalence and penetrance estimates, and inheritance mode, an automated score was calculated to assess if this variant is too frequent to cause the disease. Based on the score and internal cut-off values, a variant classified as likely benign is not then subjected to further curation. The score for this variant resulted in a classification of likely benign for this disease.

Illumina Laboratory Services, Illumina
Classification: Uncertain significance for Microphthalmia, isolated, with coloboma 3. Last evaluated: 2018-01-12. Review status: criteria provided, single submitter. Criteria: ICSL Variant Classification Criteria 13 December 2019. Collection method: clinical testing. Allele origin: germline.

NM_182894.3(VSX2):c.*1252C>T

Gene: VSX2 (visual system homeobox 2; plus strand). Cytogenetic location: 14q24.3.
Variant type: single nucleotide variant.
Coding change: c.*1252C>T on transcript NM_182894.3 (MANE Select); 1252 bases downstream of the stop codon, C replaced by T.
Molecular consequence: 3 prime UTR variant.
Genome position (GRCh38, 1-based): chr14:74,262,171, C>T. VCF-style: chr14-74262171-C-T. GRCh37 (hg19) VCF-style: chr14-74728874-C-T.
Identifiers: ClinVar variation 887196 (VCV000887196.5), dbSNP rs28441537, ClinGen allele CA263562952.